The following is an entry in ClinVar:

ClinVar aggregate classification (germline): Uncertain significance. Review status: criteria provided, multiple submitters, no conflicts (2 of 4 stars). 3 submissions from 3 submitters: Uncertain significance (3). Last evaluated 2026-09-25.

Conditions:
Retinal dystrophy. Also called: Inherited retinal dystrophy. Identifiers: Orphanet 71862, MedGen C0854723, MeSH D058499, MONDO:0019118, HP:0000556.
IFT172-related disorder. Also called: IFT172-related disorders; IFT172-related condition.
Short-rib thoracic dysplasia 10 with or without polydactyly (SRTD10). Identifiers: Orphanet 474, MedGen C3810175, MONDO:0014284, OMIM 615630.
Retinitis pigmentosa 71 (RP71). Identifiers: Orphanet 791, MedGen C4225342, MONDO:0014618, OMIM 616394.

Allele frequency attached by ClinVar (database versions not stated): TOPMed below 0.00001; ExAC 0.00001; gnomAD exomes below 0.00001.

Submissions (3):

PreventionGenetics, part of Exact Sciences
Classification: Uncertain significance for IFT172-related condition. Last evaluated: 2026-09-25. Review status: criteria provided, single submitter. Criteria: ACMG Guidelines, 2015. Collection method: clinical testing. Allele origin: germline.
Comment: The IFT172 c.2660T>C variant is predicted to result in the amino acid substitution p.Ile887Thr. To our knowledge, this variant has not been reported in the literature. This variant is reported in 0.00088% of alleles in individuals of European (Non-Finnish) descent in gnomAD. At this time, the clinical significance of this variant is uncertain due to the absence of conclusive functional and genetic evidence.

Dept Of Ophthalmology, Nagoya University
Classification: Uncertain significance for Retinal dystrophy. Last evaluated: 2023-10-01. Review status: criteria provided, single submitter. Criteria: Submitter's publication. Collection method: research. Allele origin: germline. Affected: yes.

Labcorp Genetics (formerly Invitae), Labcorp
Classification: Uncertain significance for Retinitis pigmentosa 71; Short-rib thoracic dysplasia 10 with or without polydactyly. Last evaluated: 2019-10-14. Review status: criteria provided, single submitter. Criteria: Invitae Variant Classification Sherloc (09022015). Collection method: clinical testing. Allele origin: germline.
Comment: Algorithms developed to predict the effect of missense changes on protein structure and function are either unavailable or do not agree on the potential impact of this missense change (SIFT: "Deleterious"; PolyPhen-2: "Benign"; Align-GVGD: "Class C0"). This variant has not been reported in the literature in individuals with IFT172-related conditions. This variant is present in population databases (rs761267426, ExAC 0.002%). This sequence change replaces isoleucine with threonine at codon 887 of the IFT172 protein (p.Ile887Thr). The isoleucine residue is moderately conserved and there is a moderate physicochemical difference between isoleucine and threonine. In summary, the available evidence is currently insufficient to determine the role of this variant in disease. Therefore, it has been classified as a Variant of Uncertain Significance.

NM_015662.3(IFT172):c.2660T>C (p.Ile887Thr)

Genes: IFT172 (intraflagellar transport 172; minus strand), LOC126806174 (CDK7 strongly-dependent group 2 enhancer GRCh37_chr2:27681686-27682885; plus strand). Cytogenetic location: 2p23.3.
Variant type: single nucleotide variant.
Coding change: c.2660T>C on transcript NM_015662.3 (MANE Select); coding-DNA position 2660, T replaced by C.
Protein change: p.Ile887Thr; replaces isoleucine 887 with threonine.
Molecular consequence: missense variant.
Genome position (GRCh38, 1-based): chr2:27,459,505, A>G on the plus strand (T>C on the coding strand, the complement: IFT172 is on the minus strand). VCF-style: chr2-27459505-A-G. GRCh37 (hg19) VCF-style: chr2-27682372-A-G.
Other names: short protein forms I887T.
Identifiers: ClinVar variation 938716 (VCV000938716.13), dbSNP rs761267426, ClinGen allele CA1580219.